The following is an entry in ClinVar:

ClinVar aggregate classification (germline): Uncertain significance (1 of 4 stars; one submission).

Conditions:
Hereditary cancer-predisposing syndrome. Also called: Tumor predisposition; Neoplastic Syndromes, Hereditary; Hereditary neoplastic syndrome; Hereditary Cancer Syndrome. Identifiers: Orphanet 140162, MedGen C0027672, MeSH D009386, MONDO:0015356.

Submission:

Ambry Genetics
Classification: Uncertain significance for Hereditary cancer-predisposing syndrome. Last evaluated: 2025-08-27. Review status: criteria provided, single submitter. Criteria: Ambry Variant Classification Scheme 2023. Collection method: clinical testing. Allele origin: germline.
Comment: The p.N531H variant (also known as c.1591A>C), located in coding exon 16 of the MUTYH gene, results from an A to C substitution at nucleotide position 1591. The asparagine at codon 531 is replaced by histidine, an amino acid with similar properties. This amino acid position is conserved. In addition, this alteration is predicted to be tolerated by in silico analysis. Based on the available evidence, the clinical significance of this variant remains unclear.

NM_001048174.2(MUTYH):c.1507A>C (p.Asn503His)

Gene: MUTYH (mutY DNA glycosylase; minus strand). Cytogenetic location: 1p34.1.
Variant type: single nucleotide variant.
Coding change: c.1507A>C on transcript NM_001048174.2 (MANE Select); coding-DNA position 1507, A replaced by C.
Protein change: p.Asn503His; replaces asparagine 503 with histidine.
Molecular consequence: missense variant. On other transcripts: non-coding transcript variant (7).
Genome position (GRCh38, 1-based): chr1:45,329,365, T>G on the plus strand (A>C on the coding strand, the complement: MUTYH is on the minus strand). VCF-style: chr1-45329365-T-G. GRCh37 (hg19) VCF-style: chr1-45795037-T-G.
Other names: c.1507A>C, p.Asn503His (NM_001048171.2, NM_001048173.2, NM_001293195.2 and 6 more transcripts); c.1510A>C, p.Asn504His (NM_001048172.2, NM_001407086.1, NM_001407071.1 and 1 more transcripts); c.1591A>C, p.Asn531His (NM_001128425.2); c.1552A>C, p.Asn518His (NM_001293190.2); c.1540A>C, p.Asn514His (NM_001293191.2, NM_001407069.1, NM_001407077.1); c.1231A>C, p.Asn411His (NM_001293192.2, NM_001293196.2, NM_001407091.1); c.1162A>C, p.Asn388His (NM_001350650.2, NM_001407082.1, NM_001350651.2); c.1465A>C, p.Asn489His (NM_001407080.1); and 5 more; short protein forms N411H, N489H, N517H, N518H, N388H, N503H, N504H, N528H.
Identifiers: ClinVar variation 4113405 (VCV004113405.1).